The following is an entry in ClinVar:

NM_000048.4(ASL):c.973_976del (p.Leu325fs)

Gene: ASL (argininosuccinate lyase; plus strand). Cytogenetic location: 7q11.21.
Variant type: Deletion.
Coding change: c.973_976del on transcript NM_000048.4 (MANE Select); coding-DNA positions 973 to 976, 4 bases deleted (TTAC; older notation c.973_976delTTAC).
Protein change: p.Leu325fs; shifts the reading frame from leucine 325.
Molecular consequence: frameshift variant. On other transcripts: intron variant (1).
Genome position (GRCh38, 1-based): chr7:66,089,330-66,089,333, TTAC deleted; deleting any 4 consecutive bases within chr7:66,089,328-66,089,333 gives the same sequence; the c. name uses the placement nearest the transcript's 3' end. VCF-style (leftmost placement, unchanged base first): chr7-66089327-GACTT-G. GRCh37 (hg19) VCF-style: chr7-65554314-GACTT-G.
Other names: c.973_976del, p.Leu325fs (NM_001024943.2); c.895_898del, p.Leu299fs (NM_001024946.2); c.918+155_918+158del (NM_001024944.2); short protein forms L299fs, L325fs.
Identifiers: ClinVar variation 557445 (VCV000557445.16), dbSNP rs763407938, ClinGen allele CA4277210.

ClinVar aggregate classification (germline): Pathogenic. Review status: criteria provided, multiple submitters, no conflicts (2 of 4 stars). 4 submissions from 4 submitters: Pathogenic (2). 2 of the submissions do not count toward it. Last evaluated 2024-03-24.

Conditions:
Argininosuccinate lyase deficiency. Also called: ARGININOSUCCINIC ACID LYASE DEFICIENCY; ASL DEFICIENCY; Argininosuccinic aciduria. Identifiers: Orphanet 23, MedGen C0268547, MONDO:0008815, OMIM 207900, HP:0025630.

Submissions (4):

Fulgent Genetics
Classification: Pathogenic for Argininosuccinate lyase deficiency. Last evaluated: 2024-03-24. Review status: criteria provided, single submitter. Criteria: ACMG Guidelines, 2015. Collection method: clinical testing. Allele origin: germline.

Labcorp Genetics (formerly Invitae), Labcorp
Classification: Pathogenic for Argininosuccinate lyase deficiency. Last evaluated: 2022-03-17. Review status: criteria provided, single submitter. Criteria: Invitae Variant Classification Sherloc (09022015). Collection method: clinical testing. Allele origin: germline.
Comment: ClinVar contains an entry for this variant (Variation ID: 557445). For these reasons, this variant has been classified as Pathogenic. This premature translational stop signal has been observed in individual(s) with argininosuccinate lyase deficiency (PMID: 31943503). This variant is present in population databases (rs763407938, gnomAD 0.004%). This sequence change creates a premature translational stop signal (p.Leu325Argfs*14) in the ASL gene. It is expected to result in an absent or disrupted protein product. Loss-of-function variants in ASL are known to be pathogenic (PMID: 2263616, 24166829).

Natera, Inc.
Classification: Pathogenic for Argininosuccinate lyase deficiency. Last evaluated: 2020-08-03. Review status: no assertion criteria provided. Collection method: clinical testing. Allele origin: germline. Not counted in ClinVar's aggregate classification.

Counsyl
Classification: Likely pathogenic for Argininosuccinate lyase deficiency. Last evaluated: 2018-03-26. Review status: no assertion criteria provided. Collection method: clinical testing. Allele origin: unknown. Not counted in ClinVar's aggregate classification.

Literature cited by the submitters: PubMed 31943503 (cited by Labcorp Genetics (formerly Invitae), Labcorp); PubMed 2263616 (cited by Labcorp Genetics (formerly Invitae), Labcorp); PubMed 24166829 (cited by Labcorp Genetics (formerly Invitae), Labcorp).